The following is an entry in ClinVar:

NM_001148.6(ANK2):c.7839A>G (p.Lys2613=)

Genes: ANK2 (ankyrin 2; plus strand), LOC126807137 (CDK7 strongly-dependent group 2 enhancer GRCh37_chr4:114276560-114277759; plus strand). Cytogenetic location: 4q26.
Variant type: single nucleotide variant.
Coding change: c.7839A>G on transcript NM_001148.6 (MANE Select); coding-DNA position 7839, A replaced by G.
Protein change: p.Lys2613=; no amino-acid change (lysine 2613 retained).
Molecular consequence: synonymous variant. On other transcripts: intron variant (68).
Genome position (GRCh38, 1-based): chr4:113,356,457, A>G. VCF-style: chr4-113356457-A-G. GRCh37 (hg19) VCF-style: chr4-114277613-A-G.
Other names: c.4424-4366A>G (NM_001354235.2, NM_001354246.2, NM_001354265.2); c.7605A>G, p.Lys2535= (NM_001386142.1); c.4239A>G, p.Lys1413= (NM_001386166.1); c.7980A>G, p.Lys2660= (NM_001386174.1); c.7956A>G, p.Lys2652= (NM_001386175.1); c.4412-4366A>G (NM_001386186.2, NM_001386148.2); c.4214-4366A>G (NM_001354269.3); c.4292-4366A>G (NM_001386187.2); and 35 more.
Identifiers: ClinVar variation 3257400 (VCV003257400.18).

ClinVar aggregate classification (germline): Likely benign. Review status: criteria provided, multiple submitters, no conflicts (2 of 4 stars). 2 submissions from 2 submitters: Likely benign (2). Last evaluated 2026-04-20.

Conditions:
Cardiovascular phenotype. Identifiers: MedGen CN230736.

gnomAD v4.1: 3 of 1,614,214 alleles (0.00019%); highest among the groups gnomAD compares: Non-Finnish European, 0.00025%; no homozygotes.

Submissions (2):

Ambry Genetics
Classification: Likely benign for Cardiovascular phenotype. Last evaluated: 2026-04-20. Review status: criteria provided, single submitter. Criteria: Ambry Variant Classification Scheme 2023. Collection method: clinical testing. Allele origin: germline.

CeGaT Center for Human Genetics Tuebingen
Classification: Likely benign. Last evaluated: 2024-07-01. Review status: criteria provided, single submitter. Criteria: CeGaT Center For Human Genetics Tuebingen Variant Classification Criteria Version 2. Collection method: clinical testing. Allele origin: germline. Affected: yes. Observed: 1 variant allele.
Comment: ANK2: PM2:Supporting, BP4, BP7